The following is an entry in ClinVar:

ClinVar aggregate classification (germline): Uncertain significance. Review status: criteria provided, multiple submitters, no conflicts (2 of 4 stars). 2 submissions from 2 submitters: Uncertain significance (2). Last evaluated 2025-08-24.

Conditions:
Inborn genetic diseases. Identifiers: MedGen C0950123, MeSH D030342.
Mucopolysaccharidosis, MPS-III-D (MPS3D). Also called: MUCOPOLYSACCHARIDOSIS, TYPE IIID; N-ACETYLGLUCOSAMINE-6-SULFATASE DEFICIENCY; SANFILIPPO SYNDROME D; MPS III D; Mucopoly-saccharidosis type 3D; N-acetylglucosamine-6-sulfate sulfatase deficiency. Identifiers: Orphanet 581, Orphanet 79272, MedGen C0086650, MONDO:0009658, OMIM 252940.

Allele frequency attached by ClinVar (database versions not stated): TOPMed below 0.00001.

Submissions (2):

Ambry Genetics
Classification: Uncertain significance for Inborn genetic diseases. Last evaluated: 2025-08-24. Review status: criteria provided, single submitter. Criteria: Ambry Variant Classification Scheme 2023. Collection method: clinical testing. Allele origin: germline.

Labcorp Genetics (formerly Invitae), Labcorp
Classification: Uncertain significance for Mucopolysaccharidosis, MPS-III-D. Last evaluated: 2022-05-03. Review status: criteria provided, single submitter. Criteria: Invitae Variant Classification Sherloc (09022015). Collection method: clinical testing. Allele origin: germline.
Comment: This sequence change replaces isoleucine, which is neutral and non-polar, with valine, which is neutral and non-polar, at codon 491 of the GNS protein (p.Ile491Val). This variant is not present in population databases (gnomAD no frequency). This variant has not been reported in the literature in individuals affected with GNS-related conditions. Algorithms developed to predict the effect of missense changes on protein structure and function are either unavailable or do not agree on the potential impact of this missense change (SIFT: "Deleterious"; PolyPhen-2: "Benign"; Align-GVGD: "Class C25"). In summary, the available evidence is currently insufficient to determine the role of this variant in disease. Therefore, it has been classified as a Variant of Uncertain Significance.

NM_002076.4(GNS):c.1471A>G (p.Ile491Val)

Gene: GNS (glucosamine (N-acetyl)-6-sulfatase; minus strand). Cytogenetic location: 12q14.3.
Variant type: single nucleotide variant.
Coding change: c.1471A>G on transcript NM_002076.4 (MANE Select); coding-DNA position 1471, A replaced by G.
Protein change: p.Ile491Val; replaces isoleucine 491 with valine.
Molecular consequence: missense variant.
Genome position (GRCh38, 1-based): chr12:64,720,131, T>C on the plus strand (A>G on the coding strand, the complement: GNS is on the minus strand). VCF-style: chr12-64720131-T-C. GRCh37 (hg19) VCF-style: chr12-65113911-T-C.
Other names: c.1471A>G (NM_002076.3); short protein forms I491V.
Identifiers: ClinVar variation 1905243 (VCV001905243.6), dbSNP rs1868979270, ClinGen allele CA385600977.